The following is an entry in ClinVar:

ClinVar aggregate classification (germline): Uncertain significance. Review status: criteria provided, multiple submitters, no conflicts (2 of 4 stars). 2 submissions from 2 submitters: Uncertain significance (2). Last evaluated 2026-03-05.

Allele frequency attached by ClinVar (database versions not stated): TOPMed below 0.00001.

Submissions (2):

Women's Health and Genetics/Laboratory Corporation of America, LabCorp
Classification: Uncertain significance. Last evaluated: 2026-03-05. Review status: criteria provided, single submitter. Criteria: LabCorp Variant Classification Summary - May 2015. Collection method: clinical testing. Allele origin: germline.
Comment: Variant summary: GJB2 c.263C>A (p.Ala88Glu) results in a non-conservative amino acid change in the encoded protein sequence. Algorithms developed to predict the effect of missense changes on protein structure and function all suggest that this variant is likely to be disruptive. The variant was absent in 251256 control chromosomes. The available data on variant occurrences in the general population are insufficient to allow any conclusion about variant significance. c.263C>A has been observed in at least one compound heterozygous individual affected with Non-Syndromic Hearing Loss (example: Ji_2011). This report does not provide unequivocal conclusions about association of the variant with Non-Syndromic Hearing Loss. To our knowledge, no experimental evidence demonstrating an impact on protein function has been reported. The following publication has been ascertained in the context of this evaluation (PMID: 21162657). ClinVar contains an entry for this variant (Variation ID: 2137458). Based on the evidence outlined above, the variant was classified as uncertain significance.

Labcorp Genetics (formerly Invitae), Labcorp
Classification: Uncertain significance. Last evaluated: 2021-12-22. Review status: criteria provided, single submitter. Criteria: Invitae Variant Classification Sherloc (09022015). Collection method: clinical testing. Allele origin: germline.
Comment: Advanced modeling of protein sequence and biophysical properties (such as structural, functional, and spatial information, amino acid conservation, physicochemical variation, residue mobility, and thermodynamic stability) performed at Invitae indicates that this missense variant is expected to disrupt GJB2 protein function. In summary, the available evidence is currently insufficient to determine the role of this variant in disease. Therefore, it has been classified as a Variant of Uncertain Significance. This missense change has been observed in individual(s) with clinical features of autosomal recessive deafness (PMID: 21162657). This sequence change replaces alanine, which is neutral and non-polar, with glutamic acid, which is acidic and polar, at codon 88 of the GJB2 protein (p.Ala88Glu). This variant is not present in population databases (gnomAD no frequency).

Literature cited by the submitters: PubMed 21162657 (cited by Women's Health and Genetics/Laboratory Corporation of America, LabCorp and Labcorp Genetics (formerly Invitae), Labcorp).

NM_004004.6(GJB2):c.263C>A (p.Ala88Glu)

Gene: GJB2 (gap junction protein beta 2; minus strand). Cytogenetic location: 13q12.11.
Variant type: single nucleotide variant.
Coding change: c.263C>A on transcript NM_004004.6 (MANE Select); coding-DNA position 263, C replaced by A.
Protein change: p.Ala88Glu; replaces alanine 88 with glutamic acid.
Molecular consequence: missense variant.
Genome position (GRCh38, 1-based): chr13:20,189,319, G>T on the plus strand (C>A on the coding strand, the complement: GJB2 is on the minus strand). VCF-style: chr13-20189319-G-T. GRCh37 (hg19) VCF-style: chr13-20763458-G-T.
Other names: short protein forms A88E.
Identifiers: ClinVar variation 2137458 (VCV002137458.5), dbSNP rs1555341945, ClinGen allele CA387461515.